The following is an entry in ClinVar:

ClinVar aggregate classification (germline): Uncertain significance. Review status: criteria provided, multiple submitters, no conflicts (2 of 4 stars). 3 submissions from 3 submitters: Uncertain significance (3). Last evaluated 2024-09-08.

Conditions:
Inborn genetic diseases. Identifiers: MedGen C0950123, MeSH D030342.

gnomAD v4.1: 23 of 1,540,360 alleles (0.0015%); highest among the groups gnomAD compares: African/African-American, 0.03%; no homozygotes.

Submissions (3):

Ambry Genetics
Classification: Uncertain significance for Inborn genetic diseases. Last evaluated: 2024-09-08. Review status: criteria provided, single submitter. Criteria: Ambry Variant Classification Scheme 2023. Collection method: clinical testing. Allele origin: germline.

Blueprint Genetics
Classification: Uncertain significance. Last evaluated: 2022-10-06. Review status: criteria provided, single submitter. Criteria: ACMG Guidelines, 2015. Collection method: clinical testing. Allele origin: germline.

Labcorp Genetics (formerly Invitae), Labcorp
Classification: Uncertain significance. Last evaluated: 2022-08-22. Review status: criteria provided, single submitter. Criteria: Invitae Variant Classification Sherloc (09022015). Collection method: clinical testing. Allele origin: germline.
Comment: This sequence change replaces glycine, which is neutral and non-polar, with arginine, which is basic and polar, at codon 2379 of the ADGRV1 protein (p.Gly2379Arg). This variant is present in population databases (rs549050123, gnomAD 0.02%). This missense change has been observed in individual(s) with clinical features of Usher syndrome (Invitae). Algorithms developed to predict the effect of missense changes on protein structure and function are either unavailable or do not agree on the potential impact of this missense change (SIFT: "Deleterious"; PolyPhen-2: "Probably Damaging"; Align-GVGD: "Class C0"). In summary, the available evidence is currently insufficient to determine the role of this variant in disease. Therefore, it has been classified as a Variant of Uncertain Significance.

NM_032119.4(ADGRV1):c.7135G>C (p.Gly2379Arg)

Gene: ADGRV1 (adhesion G protein-coupled receptor V1; plus strand). Cytogenetic location: 5q14.3.
Variant type: single nucleotide variant.
Coding change: c.7135G>C on transcript NM_032119.4 (MANE Select); coding-DNA position 7135, G replaced by C.
Protein change: p.Gly2379Arg; replaces glycine 2379 with arginine.
Molecular consequence: missense variant. On other transcripts: non-coding transcript variant (1).
Genome position (GRCh38, 1-based): chr5:90,693,891, G>C. VCF-style: chr5-90693891-G-C. GRCh37 (hg19) VCF-style: chr5-89989708-G-C.
Other names: c.7135G>C (NM_032119.3); short protein forms G2379R.
Identifiers: ClinVar variation 2171179 (VCV002171179.3), dbSNP rs549050123, ClinGen allele CA3339983.